The following is an entry in ClinVar:

NM_001206999.2(CIT):c.142C>T (p.Arg48Ter)

Genes: CIT (citron rho-interacting serine/threonine kinase; minus strand), LOC126861657 (MED14-independent group 3 enhancer GRCh37_chr12:120306702-120307901; plus strand). Cytogenetic location: 12q24.23.
Variant type: single nucleotide variant.
Coding change: c.142C>T on transcript NM_001206999.2 (MANE Select); coding-DNA position 142, C replaced by T.
Protein change: p.Arg48Ter; replaces arginine 48 with a stop codon.
Molecular consequence: nonsense.
Genome position (GRCh38, 1-based): chr12:119,869,156, G>A on the plus strand (C>T on the coding strand, the complement: CIT is on the minus strand). VCF-style: chr12-119869156-G-A. GRCh37 (hg19) VCF-style: chr12-120306960-G-A.
Other names: c.142C>T, p.Arg48Ter (NM_007174.3); short protein forms R48*.
Identifiers: ClinVar variation 3902695 (VCV003902695.1).
Genomic context (GRCh38, chr12:119,869,156, plus strand): 5'-TCAGAGCAGGCTGACTGCATTCTTCAAAGAGAACAAAGAGGGCATCTAATATCCCTTCTC[G>A]GGAAAGAGGAGACATCTGCTGTTGAGTCATAAAGGGTGGTTTCCCCTAAAAACAGCAAAC-3'

ClinVar aggregate classification (germline): Pathogenic (1 of 4 stars; one submission).

Conditions:
Microcephaly 17, primary, autosomal recessive (MCPH17). Identifiers: Orphanet 2512, MedGen C4310723, MONDO:0014908, OMIM 617090.

gnomAD v4.1: 8 of 1,612,774 alleles (0.0005%); highest among the groups gnomAD compares: Admixed American, 0.0017%; no homozygotes.

Submission:

Women's Health and Genetics/Laboratory Corporation of America, LabCorp
Classification: Pathogenic for Microcephaly 17, primary, autosomal recessive. Last evaluated: 2025-05-27. Review status: criteria provided, single submitter. Criteria: LabCorp Variant Classification Summary - May 2015. Collection method: clinical testing. Allele origin: germline.
Comment: Variant summary: CIT c.142C>T (p.Arg48X) results in a premature termination codon, predicted to cause a truncation of the encoded protein or absence of the protein due to nonsense mediated decay, which are commonly known mechanisms for disease. The variant allele was found at a frequency of 4e-06 in 249866 control chromosomes. To our knowledge, no occurrence of c.142C>T in individuals affected with Microcephaly 17, Primary, Autosomal Recessive and no experimental evidence demonstrating its impact on protein function have been reported. No submitters have cited clinical-significance assessments for this variant to ClinVar. Based on the evidence outlined above, the variant was classified as pathogenic.